The following is an entry in ClinVar:

NM_024753.5(TTC21B):c.*847A>C

Gene: TTC21B (tetratricopeptide repeat domain 21B; minus strand). Cytogenetic location: 2q24.3.
Variant type: single nucleotide variant.
Coding change: c.*847A>C on transcript NM_024753.5 (MANE Select); 847 bases downstream of the stop codon, A replaced by C.
Molecular consequence: 3 prime UTR variant.
Genome position (GRCh38, 1-based): chr2:165,873,908, T>G on the plus strand (A>C on the coding strand, the complement: TTC21B is on the minus strand). VCF-style: chr2-165873908-T-G. GRCh37 (hg19) VCF-style: chr2-166730418-T-G.
Identifiers: ClinVar variation 331802 (VCV000331802.5), dbSNP rs138656848, ClinGen allele CA10611525.

ClinVar aggregate classification (germline): Likely benign. Review status: criteria provided, single submitter (1 of 4 stars). 2 submissions from 1 submitter: Likely benign (2). Last evaluated 2018-01-12.

Conditions:
Asphyxiating thoracic dystrophy 4 (SRTD4). Also called: SHORT-RIB THORACIC DYSPLASIA 4 WITH OR WITHOUT POLYDACTYLY; SHORT-RIB THORACIC DYSPLASIA 4. Identifiers: Orphanet 474, MedGen C3151185, MONDO:0013441, OMIM 613819.
Nephronophthisis 12 (NPHP12). Identifiers: Orphanet 655, MedGen C3151186, MONDO:0013442, OMIM 613820.

Allele frequency attached by ClinVar (database versions not stated): gnomAD 0.00058; TOPMed 0.00111; 1000 Genomes Project 30x 0.00265; 1000 Genomes Project 0.00300.
gnomAD v4.1: 72 of 152,226 alleles (0.047%); highest among the groups gnomAD compares: East Asian, 1.3%; no homozygotes.

Submissions (2):

Illumina Laboratory Services, Illumina
Classification: Likely benign for Asphyxiating thoracic dystrophy 4. Last evaluated: 2018-01-12. Review status: criteria provided, single submitter. Criteria: ICSL Variant Classification Criteria 13 December 2019. Collection method: clinical testing. Allele origin: germline.
Comment: This variant was observed in the ICSL laboratory as part of a predisposition screen in an ostensibly healthy population. It had not been previously curated by ICSL or reported in the Human Gene Mutation Database (HGMD: prior to June 1st, 2018), and was therefore a candidate for classification through an automated scoring system. Utilizing variant allele frequency, disease prevalence and penetrance estimates, and inheritance mode, an automated score was calculated to assess if this variant is too frequent to cause the disease. Based on the score and internal cut-off values, a variant classified as likely benign is not then subjected to further curation. The score for this variant resulted in a classification of likely benign for this disease.

Illumina Laboratory Services, Illumina
Classification: Likely benign for Nephronophthisis 12. Last evaluated: 2018-01-12. Review status: criteria provided, single submitter. Criteria: ICSL Variant Classification Criteria 13 December 2019. Collection method: clinical testing. Allele origin: germline.
Comment: the same text as in the submission from Illumina Laboratory Services, Illumina above.